The following is an entry in ClinVar:

NM_033004.4(NLRP1):c.115G>A (p.Gly39Ser)

Gene: NLRP1 (NLR family pyrin domain containing 1; minus strand). Cytogenetic location: 17p13.2.
Variant type: single nucleotide variant.
Coding change: c.115G>A on transcript NM_033004.4 (MANE Select); coding-DNA position 115, G replaced by A.
Protein change: p.Gly39Ser; replaces glycine 39 with serine.
Molecular consequence: missense variant.
Genome position (GRCh38, 1-based): chr17:5,583,843, C>T on the plus strand (G>A on the coding strand, the complement: NLRP1 is on the minus strand). VCF-style: chr17-5583843-C-T. GRCh37 (hg19) VCF-style: chr17-5487163-C-T.
Other names: c.115G>A, p.Gly39Ser (NM_001033053.3, NM_014922.5, NM_033006.4 and 1 more transcripts); short protein forms G39S.
Identifiers: ClinVar variation 2628834 (VCV002628834.1), dbSNP rs774564239, ClinGen allele CA8327650.

ClinVar aggregate classification (germline): Uncertain significance (1 of 4 stars; one submission).

Conditions:
NLRP1-related disorder. Also called: NLRP1-related condition.

Allele frequency attached by ClinVar (database versions not stated): gnomAD exomes 0.00001; TOPMed 0.00001.
gnomAD v4.1: 13 of 1,569,740 alleles (0.00083%); highest among the groups gnomAD compares: South Asian, 0.007%; no homozygotes.

Submission:

PreventionGenetics, part of Exact Sciences
Classification: Uncertain significance for NLRP1-related condition. Last evaluated: 2023-06-09. Review status: criteria provided, single submitter. Criteria: ACMG Guidelines, 2015. Collection method: clinical testing. Allele origin: germline.
Comment: The NLRP1 c.115G>A variant is predicted to result in the amino acid substitution p.Gly39Ser. To our knowledge, this variant has not been reported in the literature. This variant is reported in 0.012% of alleles in individuals of South Asian descent in gnomAD. At this time, the clinical significance of this variant is uncertain due to the absence of conclusive functional and genetic evidence.